The following is an entry in ClinVar:

NM_030665.4(RAI1):c.4355G>A (p.Arg1452Gln)

Gene: RAI1 (retinoic acid induced 1; plus strand). Cytogenetic location: 17p11.2.
Variant type: single nucleotide variant.
Coding change: c.4355G>A on transcript NM_030665.4 (MANE Select); coding-DNA position 4355, G replaced by A.
Protein change: p.Arg1452Gln; replaces arginine 1452 with glutamine.
Molecular consequence: missense variant.
Genome position (GRCh38, 1-based): chr17:17,797,303, G>A. VCF-style: chr17-17797303-G-A. GRCh37 (hg19) VCF-style: chr17-17700617-G-A.
Other names: short protein forms R1452Q.
Identifiers: ClinVar variation 1423183 (VCV001423183.34), dbSNP rs368003493, ClinGen allele CA8418946.

ClinVar aggregate classification (germline): Likely benign. Review status: criteria provided, multiple submitters, no conflicts (2 of 4 stars). 4 submissions from 4 submitters: Likely benign (4). Last evaluated 2026-01-01.

Conditions:
Inborn genetic diseases. Identifiers: MedGen C0950123, MeSH D030342.
RAI1-related disorder. Also called: RAI1-related condition.

Allele frequency attached by ClinVar (database versions not stated): ESP Exome Variant Server 0.00008; gnomAD exomes 0.00002; gnomAD 0.00003; ExAC 0.00004; TOPMed 0.00006.

Submissions (4):

Labcorp Genetics (formerly Invitae), Labcorp
Classification: Likely benign. Last evaluated: 2026-01-01. Review status: criteria provided, single submitter. Criteria: Invitae Variant Classification Sherloc (09022015). Collection method: clinical testing. Allele origin: germline.

PreventionGenetics, part of Exact Sciences
Classification: Likely benign for RAI1-related condition. Last evaluated: 2025-09-18. Review status: criteria provided, single submitter. Criteria: ACMG Guidelines, 2015. Collection method: clinical testing. Allele origin: germline.
Comment: This variant is classified as likely benign based on ACMG/AMP sequence variant interpretation guidelines (Richards et al. 2015 PMID: 25741868, with internal and published modifications).

CeGaT Center for Human Genetics Tuebingen
Classification: Likely benign. Last evaluated: 2022-08-01. Review status: criteria provided, single submitter. Criteria: CeGaT Center For Human Genetics Tuebingen Variant Classification Criteria Version 2. Collection method: clinical testing. Allele origin: germline. Affected: yes. Observed: 1 variant allele.
Comment: RAI1: BP4, BS2

Ambry Genetics
Classification: Likely benign for Inborn genetic diseases. Last evaluated: 2018-03-19. Review status: criteria provided, single submitter. Criteria: Ambry Variant Classification Scheme 2023. Collection method: clinical testing. Allele origin: germline.